The following is an entry in ClinVar:

NM_138387.4(G6PC3):c.965G>A (p.Cys322Tyr)

Gene: G6PC3 (glucose-6-phosphatase catalytic subunit 3; plus strand). Cytogenetic location: 17q21.31.
Variant type: single nucleotide variant.
Coding change: c.965G>A on transcript NM_138387.4 (MANE Select); coding-DNA position 965, G replaced by A.
Protein change: p.Cys322Tyr; replaces cysteine 322 with tyrosine.
Molecular consequence: missense variant. On other transcripts: 3 prime UTR variant (1).
Genome position (GRCh38, 1-based): chr17:44,075,967, G>A. VCF-style: chr17-44075967-G-A. GRCh37 (hg19) VCF-style: chr17-42153335-G-A.
Other names: c.*258G>A (NM_001319945.2); c.620G>A, p.Cys207Tyr (NM_001384165.1, NM_001384166.1, NM_001384167.1 and 1 more transcripts); short protein forms C207Y, C322Y.
Identifiers: ClinVar variation 4260993 (VCV004260993.1).

ClinVar aggregate classification (germline): Uncertain significance (1 of 4 stars; one submission).

Conditions:
Inborn genetic diseases. Identifiers: MedGen C0950123, MeSH D030342.

Submission:

Ambry Genetics
Classification: Uncertain significance for Inborn genetic diseases. Last evaluated: 2025-08-09. Review status: criteria provided, single submitter. Criteria: Ambry Variant Classification Scheme 2023. Collection method: clinical testing. Allele origin: germline.
Comment: The p.C322Y variant (also known as c.965G>A), located in coding exon 6 of the G6PC3 gene, results from a G to A substitution at nucleotide position 965. The cysteine at codon 322 is replaced by tyrosine, an amino acid with highly dissimilar properties. This amino acid position is conserved. In addition, this alteration is predicted to be tolerated by in silico analysis. Based on the available evidence, the clinical significance of this variant remains unclear.